The following is an entry in ClinVar:

ClinVar aggregate classification (germline): Uncertain significance. Review status: criteria provided, multiple submitters, no conflicts (2 of 4 stars). 2 submissions from 2 submitters: Uncertain significance (2). Last evaluated 2025-05-07.

Conditions:
Hereditary nonpolyposis colorectal neoplasms. Identifiers: MedGen C0009405, MeSH D003123.
Hereditary cancer-predisposing syndrome. Also called: Neoplastic Syndromes, Hereditary; Tumor predisposition; Hereditary Cancer Syndrome; Hereditary neoplastic syndrome. Identifiers: Orphanet 140162, MedGen C0027672, MeSH D009386, MONDO:0015356.

gnomAD v4.1: 1 of 1,614,130 alleles (0.000062%); highest among the groups gnomAD compares: South Asian, 0.0011%; no homozygotes.

Submissions (2):

Ambry Genetics
Classification: Uncertain significance for Hereditary cancer-predisposing syndrome. Last evaluated: 2025-05-07. Review status: criteria provided, single submitter. Criteria: Ambry Variant Classification Scheme 2023. Collection method: clinical testing. Allele origin: germline.
Comment: The p.D880H variant (also known as c.2638G>C), located in coding exon 4 of the MSH6 gene, results from a G to C substitution at nucleotide position 2638. The aspartic acid at codon 880 is replaced by histidine, an amino acid with similar properties. This amino acid position is conserved. In addition, the in silico prediction for this alteration is inconclusive. Based on the available evidence, the clinical significance of this variant remains unclear.

Labcorp Genetics (formerly Invitae), Labcorp
Classification: Uncertain significance for Hereditary nonpolyposis colorectal neoplasms. Last evaluated: 2023-09-10. Review status: criteria provided, single submitter. Criteria: Invitae Variant Classification Sherloc (09022015). Collection method: clinical testing. Allele origin: germline.
Comment: This sequence change replaces aspartic acid, which is acidic and polar, with histidine, which is basic and polar, at codon 880 of the MSH6 protein (p.Asp880His). In summary, the available evidence is currently insufficient to determine the role of this variant in disease. Therefore, it has been classified as a Variant of Uncertain Significance. Advanced modeling of protein sequence and biophysical properties (such as structural, functional, and spatial information, amino acid conservation, physicochemical variation, residue mobility, and thermodynamic stability) performed at Invitae indicates that this missense variant is not expected to disrupt MSH6 protein function. This variant has not been reported in the literature in individuals affected with MSH6-related conditions. This variant is not present in population databases (gnomAD no frequency).

NM_000179.3(MSH6):c.2638G>C (p.Asp880His)

Gene: MSH6 (mutS homolog 6; plus strand). Cytogenetic location: 2p16.3.
Variant type: single nucleotide variant.
Coding change: c.2638G>C on transcript NM_000179.3 (MANE Select); coding-DNA position 2638, G replaced by C.
Protein change: p.Asp880His; replaces aspartic acid 880 with histidine.
Molecular consequence: missense variant. On other transcripts: non-coding transcript variant (5), intron variant (3).
Genome position (GRCh38, 1-based): chr2:47,800,621, G>C. VCF-style: chr2-47800621-G-C. GRCh37 (hg19) VCF-style: chr2-48027760-G-C.
Other names: c.2248G>C, p.Asp750His (NM_001281492.2); c.1732G>C, p.Asp578His (NM_001281493.2, NM_001281494.2, NM_001406811.1 and 6 more transcripts); c.2734G>C, p.Asp912His (NM_001406795.1, NM_001406802.1); c.2638G>C, p.Asp880His (NM_001406796.1, NM_001406798.1, NM_001406800.1 and 2 more transcripts); c.2341G>C, p.Asp781His (NM_001406797.1, NM_001406801.1, NM_001406805.1 and 10 more transcripts); c.2113G>C, p.Asp705His (NM_001406799.1, NM_001406806.1, NM_001406807.1); c.2560G>C, p.Asp854His (NM_001406804.1); c.2644G>C, p.Asp882His (NM_001406813.1); and 4 more; short protein forms D705H, D750H, D781H, D880H, D824H, D912H, D578H, D854H.
Identifiers: ClinVar variation 2779667 (VCV002779667.4), dbSNP rs2104416344, ClinGen allele CA346755100.
Genomic context (GRCh38, chr2:47,800,621, plus strand): 5'-TCTGCTCTGGAAGGATTCAAAGTAATGTGTAAAATTATAGGGATCATGGAAGAAGTTGCT[G>C]ATGGTTTTAAGTCTAAAATCCTTAAGCAGGTCATCTCTCTGCAGACAAAAAATCCTGAAG-3'
Protein context (NP_000170.1, residues 870-890): KIIGIMEEVA[Asp880His]GFKSKILKQV